The following is an entry in ClinVar:

NM_000070.3(CAPN3):c.632+3A>G

Gene: CAPN3 (calpain 3; plus strand). Cytogenetic location: 15q15.1.
Variant type: single nucleotide variant.
Coding change: c.632+3A>G on transcript NM_000070.3 (MANE Select); 3 bases into the intron after coding-DNA position 632, A replaced by G.
Molecular consequence: intron variant.
Genome position (GRCh38, 1-based): chr15:42,387,889, A>G. VCF-style: chr15-42387889-A-G. GRCh37 (hg19) VCF-style: chr15-42680087-A-G.
Other names: c.632+3A>G (NM_024344.2, NM_173087.2).
Identifiers: ClinVar variation 283137 (VCV000283137.11), dbSNP rs201660362, ClinGen allele CA7511073.

ClinVar aggregate classification (germline): Uncertain significance. Review status: criteria provided, multiple submitters, no conflicts (2 of 4 stars). 4 submissions from 4 submitters: Uncertain significance (4). Last evaluated 2022-07-05.

Conditions:
Muscular dystrophy, limb-girdle, autosomal dominant 4. Also called: Calpain-3-related limb-girdle muscular dystrophy D4; MUSCULAR DYSTROPHY, LIMB-GIRDLE, TYPE 1I. Identifiers: Orphanet 565909, MedGen C4748295, MONDO:0029133, OMIM 618129.
Autosomal recessive limb-girdle muscular dystrophy type 2A (LGMDR1). Also called: Calpainopathy; Muscular dystrophy, limb-girdle, type 2A, Amish; LEYDEN-MOEBIUS MUSCULAR DYSTROPHY; MUSCULAR DYSTROPHY, PELVOFEMORAL; Limb-girdle muscular dystrophy, type 2A. Identifiers: Orphanet 267, MedGen C1869123, MONDO:0009675, OMIM 253600. Disease mechanism: loss of function.

Allele frequency attached by ClinVar (database versions not stated): gnomAD exomes below 0.00001 and 0.00001; ExAC 0.00001; gnomAD 0.00001; TOPMed 0.00001; 1000 Genomes Project 30x 0.00016; 1000 Genomes Project 0.00020.
gnomAD v4.1: 11 of 1,614,174 alleles (0.00068%); highest among the groups gnomAD compares: African/African-American, 0.008%; no homozygotes.

Submissions (4):

Labcorp Genetics (formerly Invitae), Labcorp
Classification: Uncertain significance for Autosomal recessive limb-girdle muscular dystrophy type 2A. Last evaluated: 2022-07-05. Review status: criteria provided, single submitter. Criteria: Invitae Variant Classification Sherloc (09022015). Collection method: clinical testing. Allele origin: germline.
Comment: This sequence change falls in intron 4 of the CAPN3 gene. It does not directly change the encoded amino acid sequence of the CAPN3 protein. It affects a nucleotide within the consensus splice site. This variant is present in population databases (rs201660362, gnomAD 0.01%). This variant has been observed in individual(s) with clinical features of limb-girdle muscular dystrophy (PMID: 30564623). ClinVar contains an entry for this variant (Variation ID: 283137). Variants that disrupt the consensus splice site are a relatively common cause of aberrant splicing (PMID: 17576681, 9536098). Algorithms developed to predict the effect of sequence changes on RNA splicing suggest that this variant may disrupt the consensus splice site. In summary, the available evidence is currently insufficient to determine the role of this variant in disease. Therefore, it has been classified as a Variant of Uncertain Significance.

Fulgent Genetics
Classification: Uncertain significance for Autosomal recessive limb-girdle muscular dystrophy type 2A; Muscular dystrophy, limb-girdle, autosomal dominant 4. Last evaluated: 2022-05-06. Review status: criteria provided, single submitter. Criteria: ACMG Guidelines, 2015. Collection method: clinical testing. Allele origin: unknown.

Myriad Genetics, Inc.
Classification: Uncertain significance for Autosomal recessive limb-girdle muscular dystrophy type 2A. Last evaluated: 2021-11-08. Review status: criteria provided, single submitter. Criteria: Myriad Women's Health Autosomal Recessive and X-Linked Classification Criteria (2021). Collection method: clinical testing. Allele origin: unknown.
Comment: NM_000070.2(CAPN3):c.632+3A>G is an intronic variant classified as a variant of uncertain significance in the context of calpainopathy. c.632+3A>G has been observed in a case with relevant disease (PMID: 30564623). Functional assessments of this variant are not available in the literature. c.632+3A>G has been observed in population frequency databases (gnomAD: AFR 0.01%). In summary, there is insufficient evidence to classify NM_000070.2(CAPN3):c.632+3A>G as pathogenic or benign. Please note: this variant was assessed in the context of healthy population screening.

Eurofins Ntd Llc (ga)
Classification: Uncertain significance. Last evaluated: 2017-01-13. Review status: criteria provided, single submitter. Criteria: EGL Classification Definitions 2015. Collection method: clinical testing. Allele origin: germline. Observed: 4 variant alleles, 4 heterozygotes.

Literature cited by the submitters: PubMed 30564623 (cited by Labcorp Genetics (formerly Invitae), Labcorp and Myriad Genetics, Inc.); PubMed 17576681 (cited by Labcorp Genetics (formerly Invitae), Labcorp); PubMed 9536098 (cited by Labcorp Genetics (formerly Invitae), Labcorp).